The following is an entry in ClinVar:

NM_182925.5(FLT4):c.3538G>A (p.Glu1180Lys)

Gene: FLT4 (fms related receptor tyrosine kinase 4; minus strand). Cytogenetic location: 5q35.3.
Variant type: single nucleotide variant.
Coding change: c.3538G>A on transcript NM_182925.5 (MANE Select); coding-DNA position 3538, G replaced by A.
Protein change: p.Glu1180Lys; replaces glutamic acid 1180 with lysine.
Molecular consequence: missense variant.
Genome position (GRCh38, 1-based): chr5:180,611,479, C>T on the plus strand (G>A on the coding strand, the complement: FLT4 is on the minus strand). VCF-style: chr5-180611479-C-T. GRCh37 (hg19) VCF-style: chr5-180038479-C-T.
Other names: c.3538G>A, p.Glu1180Lys (NM_001354989.2, NM_002020.5); short protein forms E1180K.
Identifiers: ClinVar variation 5018972 (VCV005018972.2).

ClinVar aggregate classification (germline): Uncertain significance (1 of 4 stars; one submission).

Conditions:
Congenital heart defects, multiple types, 7. Identifiers: MedGen C5394062, MONDO:0032913, OMIM 618780.
Hereditary lymphedema type I (LMPHM1). Also called: Nonne-Milroy disease; Congenital hereditary lymphedema; Early onset lymphedema; Hereditary lymphedema 1; Primary congenital lymphedema; Meige's disease. Identifiers: Orphanet 79452, MedGen C1704423, MONDO:0007919, OMIM 153100.
Capillary infantile hemangioma. Also called: HEMANGIOMA, HEREDITARY CAPILLARY; Hereditary capillary infantile hemangioma; Hemangioma, capillary infantile, somatic. Identifiers: MedGen C1865871, MONDO:0011191, OMIM 602089.

gnomAD v4.1: 1 of 1,613,618 alleles (0.000062%); highest among the groups gnomAD compares: South Asian, 0.0011%; no homozygotes.

Submission:

Juno Genomics, Hangzhou Juno Genomics, Inc
Classification: Uncertain significance for Congenital heart defects, multiple types, 7; Capillary infantile hemangioma; Hereditary lymphedema type I. Review status: criteria provided, single submitter. Criteria: ACMG Guidelines, 2015. Collection method: clinical testing. Allele origin: germline.
Comment: Absent from controls (or at extremely low frequency if recessive) in Genome Aggregation Database.;Multiple lines of computational evidence support a deleterious effect on the gene or gene product.